The following is an entry in ClinVar:

NM_001303052.2(MYT1L):c.2922C>T (p.Ser974=)

Gene: MYT1L (myelin transcription factor 1 like; minus strand). Cytogenetic location: 2p25.3.
Variant type: single nucleotide variant.
Coding change: c.2922C>T on transcript NM_001303052.2 (MANE Select); coding-DNA position 2922, C replaced by T.
Protein change: p.Ser974=; no amino-acid change (serine 974 retained).
Molecular consequence: synonymous variant.
Genome position (GRCh38, 1-based): chr2:1,839,307, G>A on the plus strand (C>T on the coding strand, the complement: MYT1L is on the minus strand). VCF-style: chr2-1839307-G-A. GRCh37 (hg19) VCF-style: chr2-1843079-G-A.
Other names: c.2922C>T (NM_001303052.1); c.2922C>T, p.Ser974= (NM_001329844.2, NM_001329845.1, NM_001329851.3); c.2916C>T, p.Ser972= (NM_001329846.3, NM_001329847.2, NM_001329848.1 and 3 more transcripts).
Identifiers: ClinVar variation 789962 (VCV000789962.31), dbSNP rs200125635, ClinGen allele CA1513921.

ClinVar aggregate classification (germline): Benign/Likely benign. Review status: criteria provided, multiple submitters, no conflicts (2 of 4 stars). 5 submissions from 5 submitters: Benign (2); Likely benign (2). 1 of the submissions does not count toward it. Last evaluated 2026-05-01.

Conditions:
MYT1L-related disorder. Also called: MYT1L-related condition.

Allele frequency attached by ClinVar (database versions not stated): gnomAD exomes 0.00015 and 0.00030; ExAC 0.00040; ESP Exome Variant Server 0.00097; gnomAD 0.00125 and 0.00129; TOPMed 0.00133; 1000 Genomes Project 0.00140; 1000 Genomes Project 30x 0.00219.
gnomAD v4.1: 413 of 1,613,614 alleles (0.026%); highest among the groups gnomAD compares: African/African-American, 0.43%; 5 homozygotes.

Submissions (5):

CeGaT Center for Human Genetics Tuebingen
Classification: Likely benign. Last evaluated: 2026-05-01. Review status: criteria provided, single submitter. Criteria: CeGaT Center For Human Genetics Tuebingen Variant Classification Criteria Version 2. Collection method: clinical testing. Allele origin: germline. Affected: yes. Observed: 3 variant alleles.
Comment: MYT1L: BP4, BP7, BS1

Blueprint Genetics
Classification: Likely benign. Last evaluated: 2024-10-02. Review status: criteria provided, single submitter. Criteria: ACMG Guidelines, 2015. Collection method: clinical testing. Allele origin: germline.

GeneDx
Classification: Benign. Last evaluated: 2020-02-19. Review status: criteria provided, single submitter. Criteria: GeneDx Variant Classification Process June 2021. Collection method: clinical testing. Allele origin: germline. Affected: yes.

Labcorp Genetics (formerly Invitae), Labcorp
Classification: Benign. Last evaluated: 2018-05-24. Review status: criteria provided, single submitter. Criteria: Invitae Variant Classification Sherloc (09022015). Collection method: clinical testing. Allele origin: germline.

PreventionGenetics, part of Exact Sciences
Classification: Benign for MYT1L-related condition. Last evaluated: 2019-03-26. Review status: no assertion criteria provided. Collection method: clinical testing. Allele origin: germline. Not counted in ClinVar's aggregate classification.
Comment: This variant is classified as benign based on ACMG/AMP sequence variant interpretation guidelines (Richards et al. 2015 PMID: 25741868, with internal and published modifications).